The following is an entry in ClinVar:

NM_016333.4(SRRM2):c.4842A>G (p.Ala1614=)

Gene: SRRM2 (serine/arginine repetitive matrix 2; plus strand). Cytogenetic location: 16p13.3.
Variant type: single nucleotide variant.
Coding change: c.4842A>G on transcript NM_016333.4 (MANE Select); coding-DNA position 4842, A replaced by G.
Protein change: p.Ala1614=; no amino-acid change (alanine 1614 retained).
Molecular consequence: synonymous variant.
Genome position (GRCh38, 1-based): chr16:2,765,370, A>G. VCF-style: chr16-2765370-A-G. GRCh37 (hg19) VCF-style: chr16-2815371-A-G.
Identifiers: ClinVar variation 4821014 (VCV004821014.4).

ClinVar aggregate classification (germline): Likely benign (1 of 4 stars; one submission).

gnomAD v4.1: 1,645 of 1,614,048 alleles (0.1%); highest among the groups gnomAD compares: Non-Finnish European, 0.13%; 1 homozygote.

Submission:

CeGaT Center for Human Genetics Tuebingen
Classification: Likely benign. Last evaluated: 2026-04-01. Review status: criteria provided, single submitter. Criteria: CeGaT Center For Human Genetics Tuebingen Variant Classification Criteria Version 2. Collection method: clinical testing. Allele origin: germline. Affected: yes. Observed: 2 variant alleles.
Comment: SRRM2: BP4, BP7, BS1